The following is an entry in ClinVar:

ClinVar aggregate classification (germline): Uncertain significance. Review status: criteria provided, multiple submitters, no conflicts (2 of 4 stars). 2 submissions from 2 submitters: Uncertain significance (2). Last evaluated 2026-05-16.

Conditions:
JAG1-related disorder. Also called: JAG1-related condition; JAG1-related disorders.
Cardiovascular phenotype. Identifiers: MedGen CN230736.

Submissions (2):

PreventionGenetics, part of Exact Sciences
Classification: Uncertain significance for JAG1-related condition. Last evaluated: 2026-05-16. Review status: criteria provided, single submitter. Criteria: ACMG Guidelines, 2015. Collection method: clinical testing. Allele origin: germline.
Comment: The JAG1 c.3436A>T variant is predicted to result in the amino acid substitution p.Met1146Leu. To our knowledge, this variant has not been reported in the literature. This variant has been reported in 1 heterozygous individual within the ‘other’ subpopulation in gnomAD. At this time, the clinical significance of this variant is uncertain due to the absence of conclusive functional and genetic evidence.

Ambry Genetics
Classification: Uncertain significance for Cardiovascular phenotype. Last evaluated: 2025-04-10. Review status: criteria provided, single submitter. Criteria: Ambry Variant Classification Scheme 2023. Collection method: clinical testing. Allele origin: germline.
Comment: The p.M1146L variant (also known as c.3436A>T), located in coding exon 26 of the JAG1 gene, results from an A to T substitution at nucleotide position 3436. The methionine at codon 1146 is replaced by leucine, an amino acid with highly similar properties. This amino acid position is conserved. In addition, this alteration is predicted to be tolerated by in silico analysis. Based on the available evidence, the clinical significance of this variant remains unclear.

NM_000214.3(JAG1):c.3436A>T (p.Met1146Leu)

Gene: JAG1 (jagged canonical Notch ligand 1; minus strand). Cytogenetic location: 20p12.2.
Variant type: single nucleotide variant.
Coding change: c.3436A>T on transcript NM_000214.3 (MANE Select); coding-DNA position 3436, A replaced by T.
Protein change: p.Met1146Leu; replaces methionine 1146 with leucine.
Molecular consequence: missense variant.
Genome position (GRCh38, 1-based): chr20:10,639,719, T>A on the plus strand (A>T on the coding strand, the complement: JAG1 is on the minus strand). VCF-style: chr20-10639719-T-A. GRCh37 (hg19) VCF-style: chr20-10620367-T-A.
Other names: short protein forms M1146L.
Identifiers: ClinVar variation 4040687 (VCV004040687.2).